The following is an entry in ClinVar:

NM_001130987.2(DYSF):c.5838G>A (p.Val1946=)

Gene: DYSF (dysferlin; plus strand). Cytogenetic location: 2p13.2.
Variant type: single nucleotide variant.
Coding change: c.5838G>A on transcript NM_001130987.2 (MANE Select); coding-DNA position 5838, G replaced by A.
Protein change: p.Val1946=; no amino-acid change (valine 1946 retained).
Molecular consequence: synonymous variant.
Genome position (GRCh38, 1-based): chr2:71,674,250, G>A. VCF-style: chr2-71674250-G-A. GRCh37 (hg19) VCF-style: chr2-71901380-G-A.
Other names: c.5724G>A, p.Val1908= (NM_001130455.2); c.5679G>A, p.Val1893= (NM_001130976.2); c.5742G>A, p.Val1914= (NM_001130977.2); c.5784G>A, p.Val1928= (NM_001130978.2); c.5814G>A, p.Val1938= (NM_001130979.2); c.5772G>A, p.Val1924= (NM_001130980.2); c.5835G>A, p.Val1945= (NM_001130981.2); c.5817G>A, p.Val1939= (NM_001130982.2); and 6 more.
Identifiers: ClinVar variation 1143632 (VCV001143632.11), dbSNP rs780912992, ClinGen allele CA1707520.

ClinVar aggregate classification (germline): Likely benign. Review status: criteria provided, single submitter (1 of 4 stars). 2 submissions from 2 submitters: Likely benign (1). 1 of the submissions does not count toward it. Last evaluated 2024-03-09.

Conditions:
DYSF-related disorder. Also called: DYSF-related disorders; DYSF-related condition.
Neuromuscular disease caused by qualitative or quantitative defects of dysferlin. Also called: Qualitative or quantitative defects of dysferlin; Dysferlinopathy. Identifiers: Orphanet 207073, MedGen C2931687, MONDO:0016145.

Allele frequency attached by ClinVar (database versions not stated): ExAC 0.00001; gnomAD 0.00001; gnomAD exomes 0.00002.
gnomAD v4.1: 28 of 1,614,146 alleles (0.0017%); highest among the groups gnomAD compares: East Asian, 0.0022%; no homozygotes.

Submissions (2):

Labcorp Genetics (formerly Invitae), Labcorp
Classification: Likely benign for Neuromuscular disease caused by qualitative or quantitative defects of dysferlin. Last evaluated: 2024-03-09. Review status: criteria provided, single submitter. Criteria: Invitae Variant Classification Sherloc (09022015). Collection method: clinical testing. Allele origin: germline.

PreventionGenetics, part of Exact Sciences
Classification: Likely benign for DYSF-related condition. Last evaluated: 2023-03-16. Review status: no assertion criteria provided. Collection method: clinical testing. Allele origin: germline. Not counted in ClinVar's aggregate classification.
Comment: This variant is classified as likely benign based on ACMG/AMP sequence variant interpretation guidelines (Richards et al. 2015 PMID: 25741868, with internal and published modifications).